The following is an entry in ClinVar:

NM_205850.3(SLC24A5):c.932C>A (p.Ser311Tyr)

Genes: MYEF2 (myelin expression factor 2; minus strand), SLC24A5 (solute carrier family 24 member 5; plus strand). Cytogenetic location: 15q21.1.
Variant type: single nucleotide variant.
Coding change: c.932C>A on transcript NM_205850.3 (MANE Select); coding-DNA position 932, C replaced by A.
Protein change: p.Ser311Tyr; replaces serine 311 with tyrosine.
Molecular consequence: missense variant. On other transcripts: 3 prime UTR variant (2).
Genome position (GRCh38, 1-based): chr15:48,139,029, C>A. VCF-style: chr15-48139029-C-A. GRCh37 (hg19) VCF-style: chr15-48431226-C-A.
Other names: c.*3879G>T (NM_001301210.2, NM_016132.5); short protein forms S311Y.
Identifiers: ClinVar variation 744273 (VCV000744273.10), dbSNP rs184818838, ClinGen allele CA7546009.
Genomic context (GRCh38, chr15:48,139,029, plus strand): 5'-ATCCACCAAGTGTTTTCAACATGCCTGAAGCAGACTTAAAAAGAATTTTTTGGGTATTAT[C>A]CCTTCCTATTATTACATTACTTTTTCTAACCACACCAGATTGTAGAAAAAAGTTTTGGAA-3'
Protein context (NP_995322.1, residues 301-321): ADLKRIFWVL[Ser311Tyr]LPIITLLFLT

ClinVar aggregate classification (germline): Likely benign. Review status: criteria provided, single submitter (1 of 4 stars). 2 submissions from 2 submitters: Likely benign (1). 1 of the submissions does not count toward it. Last evaluated 2025-11-25.

Conditions:
SLC24A5-related disorder. Also called: SLC24A5-related condition.

Allele frequency attached by ClinVar (database versions not stated): gnomAD exomes 0.00006 and 0.00028; gnomAD 0.00014 and 0.00021; TOPMed 0.00021; ExAC 0.00031; 1000 Genomes Project 30x 0.00141; 1000 Genomes Project 0.00160.
gnomAD v4.1: 134 of 1,613,064 alleles (0.0083%); highest among the groups gnomAD compares: East Asian, 0.19%; 1 homozygote.

Submissions (2):

Labcorp Genetics (formerly Invitae), Labcorp
Classification: Likely benign. Last evaluated: 2025-11-25. Review status: criteria provided, single submitter. Criteria: Invitae Variant Classification Sherloc (09022015). Collection method: clinical testing. Allele origin: germline.

PreventionGenetics, part of Exact Sciences
Classification: Likely benign for SLC24A5-related condition. Last evaluated: 2022-12-08. Review status: no assertion criteria provided. Collection method: clinical testing. Allele origin: germline. Not counted in ClinVar's aggregate classification.
Comment: This variant is classified as likely benign based on ACMG/AMP sequence variant interpretation guidelines (Richards et al. 2015 PMID: 25741868, with internal and published modifications).